The following is an entry in ClinVar:

ClinVar aggregate classification (germline): Uncertain significance. Review status: criteria provided, multiple submitters, no conflicts (2 of 4 stars). 3 submissions from 3 submitters: Uncertain significance (3). Last evaluated 2023-07-24.

Conditions:
Cataract 41 (CTRCT41). Also called: CATARACT 41, CONGENITAL NUCLEAR TYPE. Identifiers: Orphanet 91492, Orphanet 98991, Orphanet 98992, Orphanet 98995, MedGen C3805412, MONDO:0007287, OMIM 116400.
Wolfram syndrome 1 (WFS1). Identifiers: Orphanet 3463, MedGen C4551693, MONDO:0009101, OMIM 222300.
Autosomal dominant nonsyndromic hearing loss 6 (LFSNHL). Also called: DEAFNESS, AUTOSOMAL DOMINANT 6; DEAFNESS, AUTOSOMAL DOMINANT 14; DEAFNESS, AUTOSOMAL DOMINANT 38; Autosomal dominant nonsyndromic deafness 6. Identifiers: Orphanet 90635, MedGen C1833021, MONDO:0010963, OMIM 600965.
Wolfram-like syndrome. Also called: HEARING LOSS, PROGRESSIVE, WITH OPTIC ATROPHY AND/OR IMPAIRED GLUCOSE REGULATION. Identifiers: Orphanet 411590, MedGen C3280358, MONDO:0013673, OMIM 614296.
Type 2 diabetes mellitus. Also called: Type II diabetes mellitus. Identifiers: MedGen C0011860, MeSH D003924, MONDO:0005148, OMIM 125853, HP:0005978.

Allele frequency attached by ClinVar (database versions not stated): gnomAD exomes below 0.00001; TOPMed below 0.00001.
gnomAD v4.1: 1 of 1,588,540 alleles (0.000063%); highest among the groups gnomAD compares: Admixed American, 0.0018%; no homozygotes.

Submissions (3):

GeneDx
Classification: Uncertain significance. Last evaluated: 2023-07-24. Review status: criteria provided, single submitter. Criteria: GeneDx Variant Classification Process June 2021. Collection method: clinical testing. Allele origin: germline. Affected: yes.
Comment: In silico analysis supports that this missense variant does not alter protein structure/function; Has not been previously published as pathogenic or benign to our knowledge

Labcorp Genetics (formerly Invitae), Labcorp
Classification: Uncertain significance. Last evaluated: 2022-06-12. Review status: criteria provided, single submitter. Criteria: Invitae Variant Classification Sherloc (09022015). Collection method: clinical testing. Allele origin: germline.
Comment: In summary, the available evidence is currently insufficient to determine the role of this variant in disease. Therefore, it has been classified as a Variant of Uncertain Significance. Advanced modeling of protein sequence and biophysical properties (such as structural, functional, and spatial information, amino acid conservation, physicochemical variation, residue mobility, and thermodynamic stability) performed at Invitae indicates that this missense variant is not expected to disrupt WFS1 protein function. This variant has not been reported in the literature in individuals affected with WFS1-related conditions. The frequency data for this variant in the population databases is considered unreliable, as metrics indicate poor data quality at this position in the gnomAD database. This sequence change replaces serine, which is neutral and polar, with asparagine, which is neutral and polar, at codon 38 of the WFS1 protein (p.Ser38Asn).

Fulgent Genetics
Classification: Uncertain significance for Cataract 41; Type 2 diabetes mellitus; Wolfram syndrome 1; Autosomal dominant nonsyndromic hearing loss 6; Wolfram-like syndrome. Last evaluated: 2022-03-05. Review status: criteria provided, single submitter. Criteria: ACMG Guidelines, 2015. Collection method: clinical testing. Allele origin: unknown.

NM_006005.3(WFS1):c.113G>A (p.Ser38Asn)

Gene: WFS1 (wolframin ER transmembrane glycoprotein; plus strand). Cytogenetic location: 4p16.1.
Variant type: single nucleotide variant.
Coding change: c.113G>A on transcript NM_006005.3 (MANE Select); coding-DNA position 113, G replaced by A.
Protein change: p.Ser38Asn; replaces serine 38 with asparagine.
Molecular consequence: missense variant.
Genome position (GRCh38, 1-based): chr4:6,277,568, G>A. VCF-style: chr4-6277568-G-A. GRCh37 (hg19) VCF-style: chr4-6279295-G-A.
Other names: c.113G>A, p.Ser38Asn (NM_001145853.1); short protein forms S38N.
Identifiers: ClinVar variation 1395737 (VCV001395737.8), dbSNP rs775342800, ClinGen allele CA2838796.